The following is an entry in ClinVar:

NM_000152.5(GAA):c.249C>T (p.Asp83=)

Gene: GAA (alpha glucosidase; plus strand). Cytogenetic location: 17q25.3.
Variant type: single nucleotide variant.
Coding change: c.249C>T on transcript NM_000152.5 (MANE Select); coding-DNA position 249, C replaced by T.
Protein change: p.Asp83=; no amino-acid change (aspartic acid 83 retained).
Molecular consequence: synonymous variant.
Genome position (GRCh38, 1-based): chr17:80,104,835, C>T. VCF-style: chr17-80104835-C-T. GRCh37 (hg19) VCF-style: chr17-78078634-C-T.
Other names: c.249C>T (LRG_673t1); c.249C>T, p.Asp83= (NM_001079803.3, NM_001079804.3).
Identifiers: ClinVar variation 290271 (VCV000290271.21), dbSNP rs377351519, ClinGen allele CA8814824.

ClinVar aggregate classification (germline): Conflicting classifications of pathogenicity. Review status: criteria provided, conflicting classifications (1 of 4 stars). 6 submissions from 6 submitters: Uncertain significance (1); Likely benign (5). Last evaluated 2026-01-15.

Conditions:
Cardiovascular phenotype. Identifiers: MedGen CN230736.
Glycogen storage disease, type II (IOPD). Also called: GLYCOGENOSIS, GENERALIZED, CARDIAC FORM; GSD II; Glycogen storage disease type 2; Acid maltase deficiency disease; Aglucosidase alfa; Deficiency of alpha-glucosidase. Identifiers: Orphanet 365, MedGen C0017921, MONDO:0009290, OMIM 232300.

Allele frequency attached by ClinVar (database versions not stated): gnomAD exomes 0.00003 and 0.00004; TOPMed 0.00004; gnomAD 0.00005; ESP Exome Variant Server 0.00008; ExAC 0.00001.
gnomAD v4.1: 51 of 1,612,440 alleles (0.0032%); highest among the groups gnomAD compares: Non-Finnish European, 0.0039%; no homozygotes.

Submissions (6):

Labcorp Genetics (formerly Invitae), Labcorp
Classification: Likely benign for Glycogen storage disease, type II. Last evaluated: 2026-01-15. Review status: criteria provided, single submitter. Criteria: Invitae Variant Classification Sherloc (09022015). Collection method: clinical testing. Allele origin: germline.

Women's Health and Genetics/Laboratory Corporation of America, LabCorp
Classification: Likely benign. Last evaluated: 2025-12-26. Review status: criteria provided, single submitter. Criteria: LabCorp Variant Classification Summary - May 2015. Collection method: clinical testing. Allele origin: germline.

Ambry Genetics
Classification: Likely benign for Cardiovascular phenotype. Last evaluated: 2024-12-20. Review status: criteria provided, single submitter. Criteria: Ambry Variant Classification Scheme 2023. Collection method: clinical testing. Allele origin: germline.

Blueprint Genetics
Classification: Likely benign. Last evaluated: 2023-12-22. Review status: criteria provided, single submitter. Criteria: ACMG Guidelines, 2015. Collection method: clinical testing. Allele origin: germline.

Broad Center for Mendelian Genomics, Broad Institute of MIT and Harvard
Classification: Likely benign for Glycogen storage disease, type II. Last evaluated: 2020-01-22. Review status: criteria provided, single submitter. Criteria: ACMG Guidelines, 2015. Collection method: curation. Allele origin: germline. Inheritance: Autosomal recessive inheritance.
Comment: The c.249C>T (p.Asp83=) variant in GAA has not been previously reported in individuals with Glycogen Storage Disease II but has been reported as a VUS by EGL Genetic Diagnostics and a likely benign variant by Invitae in ClinVar (Variation ID: 290271). This variant has been identified in 0.007% (9/126554) of European (non-Finnish) chromosomes by the Genome Aggregation Database (gnomAD; dbSNP rs377351519). Although this variant has been seen in the general population, its frequency is low enough to be consistent with a recessive carrier frequency. Computational splice prediction tools and conservation analyses suggest that this variant may not impact the protein, though this information is not predictive enough to rule out pathogenicity. However, novel synonymous variants supported by computational evidence without raised suspicion for an impact are likely benign (Richards 2015). In summary, although additional studies are required to fully establish its clinical significance, this variant is likely benign. ACMG/AMP Criteria applied: PM2, BP7, BP4 (Richards 2015).

Eurofins Ntd Llc (ga)
Classification: Uncertain significance. Last evaluated: 2017-02-24. Review status: criteria provided, single submitter. Criteria: EGL Classification Definitions 2015. Collection method: clinical testing. Allele origin: germline. Observed: 2 variant alleles, 2 heterozygotes.